The following is an entry in ClinVar:

NM_005360.5(MAF):c.984C>G (p.Asp328Glu)

Gene: MAF (MAF bZIP transcription factor; minus strand). Cytogenetic location: 16q23.2.
Variant type: single nucleotide variant.
Coding change: c.984C>G on transcript NM_005360.5 (MANE Select); coding-DNA position 984, C replaced by G.
Protein change: p.Asp328Glu; replaces aspartic acid 328 with glutamic acid.
Molecular consequence: missense variant.
Genome position (GRCh38, 1-based): chr16:79,598,919, G>C on the plus strand (C>G on the coding strand, the complement: MAF is on the minus strand). VCF-style: chr16-79598919-G-C. GRCh37 (hg19) VCF-style: chr16-79632816-G-C.
Other names: c.984C>G, p.Asp328Glu (NM_001031804.3); short protein forms D328E.
Identifiers: ClinVar variation 1709517 (VCV001709517.2), dbSNP rs2507653847, ClinGen allele CA396534801.

ClinVar aggregate classification (germline): Uncertain significance (1 of 4 stars; one submission).

Conditions:
Ayme-Gripp syndrome. Also called: Aymé-Gripp Syndrome. Identifiers: MedGen C1832812, MONDO:0010992, OMIM 601088.

Submission:

MGZ Medical Genetics Center
Classification: Uncertain significance for Ayme-Gripp syndrome. Last evaluated: 2022-06-20. Review status: criteria provided, single submitter. Criteria: ACMG Guidelines, 2015. Collection method: clinical testing. Allele origin: germline. Affected: yes. Observed: 1 variant allele.
Comment: ACMG criteria applied: PM2_SUP, PP2